The following is an entry in ClinVar:

NM_014956.5(CEP164):c.3995C>T (p.Thr1332Ile)

Gene: CEP164 (centrosomal protein 164; plus strand). Cytogenetic location: 11q23.3.
Variant type: single nucleotide variant.
Coding change: c.3995C>T on transcript NM_014956.5 (MANE Select); coding-DNA position 3995, C replaced by T.
Protein change: p.Thr1332Ile; replaces threonine 1332 with isoleucine.
Molecular consequence: missense variant.
Genome position (GRCh38, 1-based): chr11:117,409,864, C>T. VCF-style: chr11-117409864-C-T. GRCh37 (hg19) VCF-style: chr11-117280580-C-T.
Other names: c.3827C>T, p.Thr1276Ile (NM_001440969.1); c.3824C>T, p.Thr1275Ile (NM_001440970.1); c.3821C>T, p.Thr1274Ile (NM_001440971.1); c.3812C>T, p.Thr1271Ile (NM_001440972.1); c.3770C>T, p.Thr1257Ile (NM_001440973.1, NM_001440974.1, NM_001440975.1); c.3767C>T, p.Thr1256Ile (NM_001440976.1, NM_001440977.1); c.3761C>T, p.Thr1254Ile (NM_001440978.1); c.3746C>T, p.Thr1249Ile (NM_001440979.1, NM_001440980.1, NM_001440981.1); and 21 more; short protein forms T1187I, T1249I, T1282I, T1283I, T1334I, T1257I, T1275I, T1278I.
Identifiers: ClinVar variation 4982349 (VCV004982349.1).
Genomic context (GRCh38, chr11:117,409,864, plus strand): 5'-CCACCTACTATGGCTCCCTGGCCAGGTTCTCAGCCTTATCATCTGCTACACCCACGTCCA[C>T]CCAATGGGCCTGGGATTCAGGGCAGGGGCCCAGGCTCCCCTCCTCTGTGGCTCAAACGGT-3'
Protein context (NP_055771.4, residues 1322-1342): SALSSATPTS[Thr1332Ile]QWAWDSGQGP

ClinVar aggregate classification (germline): Uncertain significance (1 of 4 stars; one submission).

Conditions:
CEP164-related disorder. Also called: CEP164-related condition.

gnomAD v4.1: 11 of 1,613,748 alleles (0.00068%); highest among the groups gnomAD compares: South Asian, 0.012%; no homozygotes.

Submission:

PreventionGenetics, part of Exact Sciences
Classification: Uncertain significance for CEP164-related condition. Last evaluated: 2025-08-04. Review status: criteria provided, single submitter. Criteria: ACMG Guidelines, 2015. Collection method: clinical testing. Allele origin: germline.
Comment: The CEP164 c.3995C>T variant is predicted to result in the amino acid substitution p.Thr1332Ile. To our knowledge, this variant has not been reported in the literature. This variant is reported in 0.016% of alleles in individuals of South Asian descent in gnomAD. At this time, the clinical significance of this variant is uncertain due to the absence of conclusive functional and genetic evidence.